The following is an entry in ClinVar:

NM_001267550.2(TTN):c.62844T>G (p.Pro20948=)

Genes: TTN (titin; minus strand), TTN-AS1 (TTN antisense RNA 1; plus strand). Cytogenetic location: 2q31.2.
Variant type: single nucleotide variant.
Coding change: c.62844T>G on transcript NM_001267550.2 (MANE Select); coding-DNA position 62844, T replaced by G.
Protein change: p.Pro20948=; no amino-acid change (proline 20948 retained).
Molecular consequence: synonymous variant.
Genome position (GRCh38, 1-based): chr2:178,588,881, A>C on the plus strand (T>G on the coding strand, the complement: TTN is on the minus strand). VCF-style: chr2-178588881-A-C. GRCh37 (hg19) VCF-style: chr2-179453608-A-C.
Other names: c.57921T>G, p.Pro19307= (NM_001256850.1); c.35649T>G, p.Pro11883= (NM_003319.4); c.55140T>G, p.Pro18380= (NM_133378.4); c.36024T>G, p.Pro12008= (NM_133432.3); c.36225T>G, p.Pro12075= (NM_133437.4).
Identifiers: ClinVar variation 501822 (VCV000501822.18), dbSNP rs770335539, ClinGen allele CA1992175.

ClinVar aggregate classification (germline): Conflicting classifications of pathogenicity. Review status: criteria provided, conflicting classifications (1 of 4 stars). 6 submissions from 6 submitters: Uncertain significance (1); Likely benign (5). Last evaluated 2026-09-22.

Conditions:
Autosomal recessive limb-girdle muscular dystrophy type 2J (LGMDR10). Also called: Limb-girdle muscular dystrophy, type 2J; MUSCULAR DYSTROPHY, LIMB-GIRDLE, AUTOSOMAL RECESSIVE 10. Identifiers: Orphanet 140922, MedGen C1837342, MONDO:0012127, OMIM 608807.
Dilated cardiomyopathy 1G (CMD1G). Identifiers: Orphanet 154, MedGen C1858763, MONDO:0011400, OMIM 604145.
Cardiovascular phenotype. Identifiers: MedGen CN230736.
TTN-related disorder. Also called: TTN-related condition; TTN-related disease; TTN-related disorders.

Allele frequency attached by ClinVar (database versions not stated): ExAC 0.00006; gnomAD 0.00006; gnomAD exomes 0.00006 and 0.00008; TOPMed 0.00006.
gnomAD v4.1: 130 of 1,613,116 alleles (0.0081%); highest among the groups gnomAD compares: Non-Finnish European, 0.011%; no homozygotes.

Submissions (6):

PreventionGenetics, part of Exact Sciences
Classification: Likely benign for TTN-related condition. Last evaluated: 2026-09-22. Review status: criteria provided, single submitter. Criteria: ACMG Guidelines, 2015. Collection method: clinical testing. Allele origin: germline.
Comment: This variant is classified as likely benign based on ACMG/AMP sequence variant interpretation guidelines (Richards et al. 2015 PMID: 25741868, with internal and published modifications).

Labcorp Genetics (formerly Invitae), Labcorp
Classification: Likely benign for Dilated cardiomyopathy 1G; Autosomal recessive limb-girdle muscular dystrophy type 2J. Last evaluated: 2026-01-07. Review status: criteria provided, single submitter. Criteria: Invitae Variant Classification Sherloc (09022015). Collection method: clinical testing. Allele origin: germline.

Ambry Genetics
Classification: Likely benign for Cardiovascular phenotype. Last evaluated: 2023-06-17. Review status: criteria provided, single submitter. Criteria: Ambry Variant Classification Scheme 2023. Collection method: clinical testing. Allele origin: germline.

Women's Health and Genetics/Laboratory Corporation of America, LabCorp
Classification: Likely benign. Last evaluated: 2022-12-11. Review status: criteria provided, single submitter. Criteria: LabCorp Variant Classification Summary - May 2015. Collection method: clinical testing. Allele origin: germline.

Blueprint Genetics
Classification: Likely benign. Last evaluated: 2018-12-04. Review status: criteria provided, single submitter. Criteria: ACMG Guidelines, 2015. Collection method: clinical testing. Allele origin: germline.

Eurofins Ntd Llc (ga)
Classification: Uncertain significance. Last evaluated: 2017-05-03. Review status: criteria provided, single submitter. Criteria: EGL Classification Definitions 2015. Collection method: clinical testing. Allele origin: germline. Observed: 1 variant allele, 1 heterozygote.